The following is an entry in ClinVar:

ClinVar aggregate classification (germline): Likely benign (1 of 4 stars; one submission).

gnomAD v4.1: 2 of 1,612,118 alleles (0.00012%); highest among the groups gnomAD compares: Non-Finnish European, 0.00017%; no homozygotes.

Submission:

CeGaT Center for Human Genetics Tuebingen
Classification: Likely benign. Last evaluated: 2026-07-01. Review status: criteria provided, single submitter. Criteria: CeGaT Center For Human Genetics Tuebingen Variant Classification Criteria Version 2. Collection method: clinical testing. Allele origin: germline. Affected: yes. Observed: 1 variant allele.
Comment: HS6ST1: BP4, BP7

NM_004807.3(HS6ST1):c.216C>T (p.Val72=)

Gene: HS6ST1 (heparan sulfate 6-O-sulfotransferase 1; minus strand). Cytogenetic location: 2q14.3.
Variant type: single nucleotide variant.
Coding change: c.216C>T on transcript NM_004807.3 (MANE Select); coding-DNA position 216, C replaced by T.
Protein change: p.Val72=; no amino-acid change (valine 72 retained).
Molecular consequence: synonymous variant.
Genome position (GRCh38, 1-based): chr2:128,318,348, G>A on the plus strand (C>T on the coding strand, the complement: HS6ST1 is on the minus strand). VCF-style: chr2-128318348-G-A. GRCh37 (hg19) VCF-style: chr2-129075922-G-A.
Identifiers: ClinVar variation 5040102 (VCV005040102.1).